The following is an entry in ClinVar:

NM_000292.3(PHKA2):c.1989T>C (p.Tyr663=)

Gene: PHKA2 (phosphorylase kinase regulatory subunit alpha 2; minus strand). Cytogenetic location: Xp22.13.
Variant type: single nucleotide variant.
Coding change: c.1989T>C on transcript NM_000292.3 (MANE Select); coding-DNA position 1989, T replaced by C.
Protein change: p.Tyr663=; no amino-acid change (tyrosine 663 retained).
Molecular consequence: synonymous variant.
Genome position (GRCh38, 1-based): chrX:18,918,829, A>G on the plus strand (T>C on the coding strand, the complement: PHKA2 is on the minus strand). VCF-style: chrX-18918829-A-G. GRCh37 (hg19) VCF-style: chrX-18936947-A-G.
Identifiers: ClinVar variation 761536 (VCV000761536.7), dbSNP rs770108234, ClinGen allele CA10361747.

ClinVar aggregate classification (germline): Likely benign. Review status: criteria provided, multiple submitters, no conflicts (2 of 4 stars). 2 submissions from 2 submitters: Likely benign (2). Last evaluated 2026-04-22.

Conditions:
PHKA2-related disorder. Also called: PHKA2-related condition.
Glycogen storage disease IXa1. Also called: LIVER GLYCOGENOSIS, X-LINKED, TYPE I; Glycogen storage disease 8; GLYCOGEN STORAGE DISEASE VIII; GSD VIII. Identifiers: Orphanet 264580, MedGen C3694531, MONDO:0010598, OMIM 306000.

Allele frequency attached by ClinVar (database versions not stated): ExAC 0.00001; gnomAD exomes 0.00001 and 0.00002; TOPMed 0.00004; gnomAD 0.00005.
gnomAD v4.1: 20 of 1,209,518 alleles (0.0017%); highest among the groups gnomAD compares: African/African-American, 0.019%; no homozygotes.

Submissions (2):

PreventionGenetics, part of Exact Sciences
Classification: Likely benign for PHKA2-related condition. Last evaluated: 2026-04-22. Review status: criteria provided, single submitter. Criteria: ACMG Guidelines, 2015. Collection method: clinical testing. Allele origin: germline.
Comment: This variant is classified as likely benign based on ACMG/AMP sequence variant interpretation guidelines (Richards et al. 2015 PMID: 25741868, with internal and published modifications).

Labcorp Genetics (formerly Invitae), Labcorp
Classification: Likely benign for Glycogen storage disease IXa1. Last evaluated: 2018-06-25. Review status: criteria provided, single submitter. Criteria: Invitae Variant Classification Sherloc (09022015). Collection method: clinical testing. Allele origin: germline.